The following is an entry in ClinVar:

NM_001130009.3(GEN1):c.256A>G (p.Ile86Val)

Gene: GEN1 (GEN1 Holliday junction 5' flap endonuclease; plus strand). Cytogenetic location: 2p24.2.
Variant type: single nucleotide variant.
Coding change: c.256A>G on transcript NM_001130009.3 (MANE Select); coding-DNA position 256, A replaced by G.
Protein change: p.Ile86Val; replaces isoleucine 86 with valine.
Molecular consequence: missense variant.
Genome position (GRCh38, 1-based): chr2:17,761,490, A>G. VCF-style: chr2-17761490-A-G. GRCh37 (hg19) VCF-style: chr2-17942757-A-G.
Other names: c.256A>G, p.Ile86Val (NM_182625.5); short protein forms I86V.
Identifiers: ClinVar variation 4029172 (VCV004029172.1).

ClinVar aggregate classification (germline): Uncertain significance (1 of 4 stars; one submission).

gnomAD v4.1: 3 of 1,613,288 alleles (0.00019%); highest among the groups gnomAD compares: Admixed American, 0.0017%; no homozygotes.

Submission:

Ambry Genetics
Classification: Uncertain significance. Last evaluated: 2025-03-28. Review status: criteria provided, single submitter. Criteria: Ambry Variant Classification Scheme 2023. Collection method: clinical testing. Allele origin: germline.
Comment: The p.I86V variant (also known as c.256A>G), located in coding exon 2 of the GEN1 gene, results from an A to G substitution at nucleotide position 256. The isoleucine at codon 86 is replaced by valine, an amino acid with highly similar properties. This amino acid position is conserved. In addition, this alteration is predicted to be tolerated by in silico analysis. Based on the available evidence, the clinical significance of this variant remains unclear.